The following is an entry in ClinVar:

ClinVar aggregate classification (germline): Uncertain significance. Review status: criteria provided, multiple submitters, no conflicts (2 of 4 stars). 3 submissions from 3 submitters: Uncertain significance (3). Last evaluated 2025-04-21.

Conditions:
Bethlem myopathy 1A. Also called: MYOPATHY, BENIGN CONGENITAL, WITH CONTRACTURES; Bethlem myopathy 1; Bethlem Muscular Dystrophy. Identifiers: Orphanet 610, MedGen CN029274, MONDO:0024530, OMIM 158810.

Allele frequency attached by ClinVar (database versions not stated): gnomAD exomes below 0.00001; gnomAD 0.00001.
gnomAD v4.1: 3 of 1,607,206 alleles (0.00019%); highest among the groups gnomAD compares: Admixed American, 0.0017%; no homozygotes.

Submissions (3):

Labcorp Genetics (formerly Invitae), Labcorp
Classification: Uncertain significance for Bethlem myopathy 1A. Last evaluated: 2025-04-21. Review status: criteria provided, single submitter. Criteria: Invitae Variant Classification Sherloc (09022015). Collection method: clinical testing. Allele origin: germline.
Comment: This sequence change replaces phenylalanine, which is neutral and non-polar, with leucine, which is neutral and non-polar, at codon 997 of the COL6A2 protein (p.Phe997Leu). This variant is not present in population databases (gnomAD no frequency). This variant has not been reported in the literature in individuals affected with COL6A2-related conditions. ClinVar contains an entry for this variant (Variation ID: 499018). Invitae Evidence Modeling of protein sequence and biophysical properties (such as structural, functional, and spatial information, amino acid conservation, physicochemical variation, residue mobility, and thermodynamic stability) indicates that this missense variant is not expected to disrupt COL6A2 protein function with a negative predictive value of 80%. In summary, the available evidence is currently insufficient to determine the role of this variant in disease. Therefore, it has been classified as a Variant of Uncertain Significance.

Revvity Omics, Revvity
Classification: Uncertain significance. Last evaluated: 2019-10-07. Review status: criteria provided, single submitter. Criteria: ACMG Guidelines, 2015. Collection method: clinical testing. Allele origin: germline.

Eurofins Ntd Llc (ga)
Classification: Uncertain significance. Last evaluated: 2016-12-28. Review status: criteria provided, single submitter. Criteria: EGL Classification Definitions 2015. Collection method: clinical testing. Allele origin: germline. Observed: 1 variant allele, 1 heterozygote.

NM_001849.4(COL6A2):c.2991C>G (p.Phe997Leu)

Gene: COL6A2 (collagen type VI alpha 2 chain; plus strand). Cytogenetic location: 21q22.3.
Variant type: single nucleotide variant.
Coding change: c.2991C>G on transcript NM_001849.4 (MANE Select); coding-DNA position 2991, C replaced by G.
Protein change: p.Phe997Leu; replaces phenylalanine 997 with leucine.
Molecular consequence: missense variant.
Genome position (GRCh38, 1-based): chr21:46,132,483, C>G. VCF-style: chr21-46132483-C-G. GRCh37 (hg19) VCF-style: chr21-47552397-C-G.
Other names: c.2991C>G (NM_001849.3); short protein forms F997L.
Identifiers: ClinVar variation 499018 (VCV000499018.14), dbSNP rs1555877365, ClinGen allele CA410550460.